The following is an entry in ClinVar:

NM_001348768.2(HECW2):c.1465A>C (p.Ile489Leu)

Gene: HECW2 (HECT, C2 and WW domain containing E3 ubiquitin protein ligase 2; minus strand). Cytogenetic location: 2q32.3.
Variant type: single nucleotide variant.
Coding change: c.1465A>C on transcript NM_001348768.2 (MANE Select); coding-DNA position 1465, A replaced by C.
Protein change: p.Ile489Leu; replaces isoleucine 489 with leucine.
Molecular consequence: missense variant.
Genome position (GRCh38, 1-based): chr2:196,319,425, T>G on the plus strand (A>C on the coding strand, the complement: HECW2 is on the minus strand). VCF-style: chr2-196319425-T-G. GRCh37 (hg19) VCF-style: chr2-197184149-T-G.
Other names: c.397A>C, p.Ile133Leu (NM_001304840.3); c.1465A>C, p.Ile489Leu (NM_020760.4); short protein forms I133L, I489L.
Identifiers: ClinVar variation 2651788 (VCV002651788.24), dbSNP rs373873944, ClinGen allele CA2038320.
Genomic context (GRCh38, chr2:196,319,425, plus strand): 5'-CCAGCTTTGTCTGAGATGTCAGGCTTCCATCATCAGCTCTGGATGCCCTGCTAAACATGA[T>G]CAGGCCTCCCTCCTCCTCCAAGGAAGATGGGTAACCCAGGTCTTGCTGGAACTCGTGATC-3'
Protein context (NP_001335697.1, residues 479-499): PSSLEEEGGL[Ile489Leu]MFSRASRADD

ClinVar aggregate classification (germline): Benign (1 of 4 stars; one submission).

Allele frequency attached by ClinVar (database versions not stated): TOPMed 0.00001; gnomAD 0.00002; gnomAD exomes 0.00007; ExAC 0.00013.
gnomAD v4.1: 109 of 1,613,872 alleles (0.0068%); highest among the groups gnomAD compares: South Asian, 0.11%; 2 homozygotes.

Submission:

CeGaT Center for Human Genetics Tuebingen
Classification: Benign. Last evaluated: 2022-07-01. Review status: criteria provided, single submitter. Criteria: CeGaT Center For Human Genetics Tuebingen Variant Classification Criteria Version 2. Collection method: clinical testing. Allele origin: germline. Affected: yes. Observed: 1 variant allele.
Comment: HECW2: BS1, BS2